The following is an entry in ClinVar:

NM_014991.6(WDFY3):c.7438A>G (p.Lys2480Glu)

Gene: WDFY3 (WD repeat and FYVE domain containing 3; minus strand). Cytogenetic location: 4q21.23.
Variant type: single nucleotide variant.
Coding change: c.7438A>G on transcript NM_014991.6 (MANE Select); coding-DNA position 7438, A replaced by G.
Protein change: p.Lys2480Glu; replaces lysine 2480 with glutamic acid.
Molecular consequence: missense variant.
Genome position (GRCh38, 1-based): chr4:84,724,429, T>C on the plus strand (A>G on the coding strand, the complement: WDFY3 is on the minus strand). VCF-style: chr4-84724429-T-C. GRCh37 (hg19) VCF-style: chr4-85645582-T-C.
Other names: short protein forms K2480E.
Identifiers: ClinVar variation 3361250 (VCV003361250.1).

ClinVar aggregate classification (germline): Uncertain significance (1 of 4 stars; one submission).

Submission:

GeneDx
Classification: Uncertain significance. Last evaluated: 2023-07-20. Review status: criteria provided, single submitter. Criteria: GeneDx Variant Classification Process June 2021. Collection method: clinical testing. Allele origin: germline. Affected: yes.
Comment: Not observed at significant frequency in large population cohorts (gnomAD); In silico analysis supports that this missense variant does not alter protein structure/function; Has not been previously published as pathogenic or benign to our knowledge